The following is an entry in ClinVar:

ClinVar aggregate classification (germline): Pathogenic (1 of 4 stars; one submission).

Conditions:
Familial hypocalciuric hypercalcemia (FHH). Also called: Familial benign hypercalcemia. Identifiers: Orphanet 405, MedGen C1809471, MONDO:0018458.
Autosomal dominant hypocalcemia 1 (HYPOC1). Also called: HYPOCALCEMIA, FAMILIAL. Identifiers: MedGen C3715128, MONDO:0011013, OMIM 601198.

Submission:

Labcorp Genetics (formerly Invitae), Labcorp
Classification: Pathogenic for Familial hypocalciuric hypercalcemia; Autosomal dominant hypocalcemia 1. Last evaluated: 2020-12-08. Review status: criteria provided, single submitter. Criteria: Invitae Variant Classification Sherloc (09022015). Collection method: clinical testing. Allele origin: germline.
Comment: This variant is not present in population databases (ExAC no frequency). For these reasons, this variant has been classified as Pathogenic. This variant disrupts the C-terminus of the CASR protein. Other variant(s) that disrupt this region (p.Trp718*) have been determined to be pathogenic (PMID: 18796518, 9395465). This suggests that variants that disrupt this region of the protein are likely to be causative of disease. This variant has not been reported in the literature in individuals with CASR-related conditions. This sequence change creates a premature translational stop signal (p.Glu519Aspfs*107) in the CASR gene. While this is not anticipated to result in nonsense mediated decay, it is expected to disrupt the last 560 amino acid(s) of the CASR protein.

Literature cited by the submitters: PubMed 18796518; PubMed 9395465.

NM_000388.4(CASR):c.1557_1560del (p.Glu519fs)

Gene: CASR (calcium sensing receptor; plus strand). Cytogenetic location: 3q21.1.
Variant type: Deletion.
Coding change: c.1557_1560del on transcript NM_000388.4 (MANE Select); coding-DNA positions 1557 to 1560, 4 bases deleted (AAGA; older notation c.1557_1560delAAGA).
Protein change: p.Glu519fs; shifts the reading frame from glutamic acid 519.
Molecular consequence: frameshift variant.
Genome position (GRCh38, 1-based): chr3:122,275,991-122,275,994, AAGA deleted; deleting any 4 consecutive bases within chr3:122,275,988-122,275,994 gives the same sequence; the c. name uses the placement nearest the transcript's 3' end. VCF-style (leftmost placement, unchanged base first): chr3-122275987-GAGAA-G. GRCh37 (hg19) VCF-style: chr3-121994834-GAGAA-G.
Other names: c.1557_1560del, p.Glu519fs (NM_001178065.2); short protein forms E519fs.
Identifiers: ClinVar variation 1376400 (VCV001376400.8), dbSNP rs2107643705, ClinGen allele CA2573136464.